The following is an entry in ClinVar:

NM_022725.4(FANCF):c.713_714delinsAA (p.Val238Glu)

Gene: FANCF (FA complementation group F; minus strand). Cytogenetic location: 11p14.3.
Variant type: Indel.
Coding change: c.713_714delinsAA on transcript NM_022725.4 (MANE Select); coding-DNA positions 713 to 714, TC replaced by AA.
Protein change: p.Val238Glu; replaces valine 238 with glutamic acid.
Molecular consequence: missense variant.
Genome position (GRCh38, 1-based): chr11:22,625,097-22,625,098, GA replaced by TT on the plus strand (TC replaced by AA on the coding strand, the reverse complement: FANCF is on the minus strand). VCF-style: chr11-22625097-GA-TT. GRCh37 (hg19) VCF-style: chr11-22646643-GA-TT.
Other names: short protein forms V238E.
Identifiers: ClinVar variation 4720222 (VCV004720222.1).

ClinVar aggregate classification (germline): Uncertain significance (1 of 4 stars; one submission).

Conditions:
Fanconi anemia (FA). Also called: Fanconi's anemia. Identifiers: Orphanet 84, MedGen C0015625, MeSH D005199, MONDO:0019391.

Submission:

Labcorp Genetics (formerly Invitae), Labcorp
Classification: Uncertain significance for Fanconi anemia. Last evaluated: 2025-05-25. Review status: criteria provided, single submitter. Criteria: Invitae Variant Classification Sherloc (09022015). Collection method: clinical testing. Allele origin: germline.
Comment: This sequence change replaces valine, which is neutral and non-polar, with glutamic acid, which is acidic and polar, at codon 238 of the FANCF protein (p.Val238Glu). Information on the frequency of this variant in the gnomAD database is not available, as this variant may be reported differently in the database. This variant has not been reported in the literature in individuals affected with FANCF-related conditions. An algorithm developed to predict the effect of missense changes on protein structure and function (PolyPhen-2) suggests that this variant is likely to be disruptive. In summary, the available evidence is currently insufficient to determine the role of this variant in disease. Therefore, it has been classified as a Variant of Uncertain Significance.